The following is an entry in ClinVar:

NM_002591.4(PCK1):c.1234C>T (p.Gln412Ter)

Gene: PCK1 (phosphoenolpyruvate carboxykinase 1; plus strand). Cytogenetic location: 20q13.31.
Variant type: single nucleotide variant.
Coding change: c.1234C>T on transcript NM_002591.4 (MANE Select); coding-DNA position 1234, C replaced by T.
Protein change: p.Gln412Ter; replaces glutamine 412 with a stop codon.
Molecular consequence: nonsense.
Genome position (GRCh38, 1-based): chr20:57,564,529, C>T. VCF-style: chr20-57564529-C-T. GRCh37 (hg19) VCF-style: chr20-56139585-C-T.
Other names: short protein forms Q412*.
Identifiers: ClinVar variation 2227997 (VCV002227997.2), dbSNP rs935836462, ClinGen allele CA316281044.
Genomic context (GRCh38, chr20:57,564,529, plus strand): 5'-CTCTGTCTTATAGGGGAACCTTGTGCCCACCCCAACTCGAGGTTCTGCACCCCTGCCAGC[C>T]AGTGCCCCATCATTGATGCTGCCTGGGAGTCTCCGGAAGGTGTTCCCATTGAAGGCATTA-3'

ClinVar aggregate classification (germline): Pathogenic (1 of 4 stars; one submission).

Conditions:
Inborn genetic diseases. Identifiers: MedGen C0950123, MeSH D030342.

Allele frequency attached by ClinVar (database versions not stated): TOPMed 0.00001.

Submission:

Ambry Genetics
Classification: Pathogenic for Inborn genetic diseases. Last evaluated: 2020-11-19. Review status: criteria provided, single submitter. Criteria: Ambry Variant Classification Scheme 2023. Collection method: clinical testing. Allele origin: germline.
Comment: The c.1234C>T (p.Q412*) alteration, located in exon 8 (coding exon 7) of the PCK1 gene, consists of a C to T substitution at nucleotide position 1234. This changes the amino acid from a glutamine (Q) to a stop codon at amino acid position 412. This alteration is expected to result in loss of function by premature protein truncation or nonsense-mediated mRNA decay. Based on data from the Genome Aggregation Database (gnomAD), the PCK1 c.1234C>T alteration was not observed, with coverage at this position. Based on the available evidence, this alteration is classified as pathogenic.